The following is an entry in ClinVar:

NM_014974.3(DIP2C):c.2521G>A (p.Val841Met)

Gene: DIP2C (DIP2 acetate--CoA ligase C (putative); minus strand). Cytogenetic location: 10p15.3.
Variant type: single nucleotide variant.
Coding change: c.2521G>A on transcript NM_014974.3 (MANE Select); coding-DNA position 2521, G replaced by A.
Protein change: p.Val841Met; replaces valine 841 with methionine.
Molecular consequence: missense variant.
Genome position (GRCh38, 1-based): chr10:363,268, C>T on the plus strand (G>A on the coding strand, the complement: DIP2C is on the minus strand). VCF-style: chr10-363268-C-T. GRCh37 (hg19) VCF-style: chr10-409208-C-T.
Other names: short protein forms V841M.
Identifiers: ClinVar variation 1920039 (VCV001920039.6), dbSNP rs753413734, ClinGen allele CA5380387.

ClinVar aggregate classification (germline): Uncertain significance. Review status: criteria provided, multiple submitters, no conflicts (2 of 4 stars). 2 submissions from 2 submitters: Uncertain significance (2). Last evaluated 2024-05-08.

Conditions:
Inborn genetic diseases. Identifiers: MedGen C0950123, MeSH D030342.

Allele frequency attached by ClinVar (database versions not stated): TOPMed 0.00001; gnomAD exomes 0.00002; gnomAD 0.00003; ExAC 0.00007.
gnomAD v4.1: 33 of 1,613,184 alleles (0.002%); highest among the groups gnomAD compares: South Asian, 0.021%; no homozygotes.

Submissions (2):

Labcorp Genetics (formerly Invitae), Labcorp
Classification: Uncertain significance. Last evaluated: 2024-05-08. Review status: criteria provided, single submitter. Criteria: Invitae Variant Classification Sherloc (09022015). Collection method: clinical testing. Allele origin: germline.
Comment: This sequence change replaces valine, which is neutral and non-polar, with methionine, which is neutral and non-polar, at codon 841 of the DIP2C protein (p.Val841Met). This variant is present in population databases (rs753413734, gnomAD 0.04%), and has an allele count higher than expected for a pathogenic variant. This variant has not been reported in the literature in individuals affected with DIP2C-related conditions. ClinVar contains an entry for this variant (Variation ID: 1920039). An algorithm developed to predict the effect of missense changes on protein structure and function (PolyPhen-2) suggests that this variant is likely to be disruptive. In summary, the available evidence is currently insufficient to determine the role of this variant in disease. Therefore, it has been classified as a Variant of Uncertain Significance.

Ambry Genetics
Classification: Uncertain significance for Inborn genetic diseases. Last evaluated: 2021-11-30. Review status: criteria provided, single submitter. Criteria: Ambry Variant Classification Scheme 2023. Collection method: clinical testing. Allele origin: germline.